The following is an entry in ClinVar:

NM_030962.4(SBF2):c.1600G>C (p.Val534Leu)

Gene: SBF2 (SET binding factor 2; minus strand). Cytogenetic location: 11p15.4.
Variant type: single nucleotide variant.
Coding change: c.1600G>C on transcript NM_030962.4 (MANE Select); coding-DNA position 1600, G replaced by C.
Protein change: p.Val534Leu; replaces valine 534 with leucine.
Molecular consequence: missense variant.
Genome position (GRCh38, 1-based): chr11:9,968,341, C>G on the plus strand (G>C on the coding strand, the complement: SBF2 is on the minus strand). VCF-style: chr11-9968341-C-G. GRCh37 (hg19) VCF-style: chr11-9989888-C-G.
Other names: c.1600G>C, p.Val534Leu (NM_001386339.1); c.1471G>C, p.Val491Leu (NM_001386342.1); short protein forms V534L, V491L.
Identifiers: ClinVar variation 641898 (VCV000641898.9), dbSNP rs1590635892, ClinGen allele CA379645107.
Genomic context (GRCh38, chr11:9,968,341, plus strand): 5'-TTTTTGGGTCTTACATCCTTATAAACAGTTTACTTTTAAAACAGACAGACAAATACATAC[C>G]AACAGGTGGACCTGCTGGCACAACACATTTCTTTTCTATTCGTGTGGCAGGAGGTGCATT-3'
Protein context (NP_112224.1, residues 524-544): KCVVPAGPPV[Val534Leu]SIMDKVTTVF

ClinVar aggregate classification (germline): Uncertain significance (1 of 4 stars; one submission).

Conditions:
Charcot-Marie-Tooth disease type 4. Also called: Charcot-Marie-Tooth disease, type IV; Charcot-Marie-Tooth, Type 4. Identifiers: Orphanet 64749, MedGen C4082197, MONDO:0018995.

Submission:

Labcorp Genetics (formerly Invitae), Labcorp
Classification: Uncertain significance for Charcot-Marie-Tooth disease type 4. Last evaluated: 2020-02-11. Review status: criteria provided, single submitter. Criteria: Invitae Variant Classification Sherloc (09022015). Collection method: clinical testing. Allele origin: germline.
Comment: In summary, the available evidence is currently insufficient to determine the role of this variant in disease. Therefore, it has been classified as a Variant of Uncertain Significance. Nucleotide substitutions within the consensus splice site are a relatively common cause of aberrant splicing (PMID: 17576681, 9536098). Algorithms developed to predict the effect of sequence changes on RNA splicing suggest that this variant may disrupt the consensus splice site, but this prediction has not been confirmed by published transcriptional studies. Algorithms developed to predict the effect of missense changes on protein structure and function (SIFT, PolyPhen-2, Align-GVGD) all suggest that this variant is likely to be tolerated, but these predictions have not been confirmed by published functional studies and their clinical significance is uncertain. This variant has not been reported in the literature in individuals with SBF2-related disease. This variant is not present in population databases (ExAC no frequency). This sequence change replaces valine with leucine at codon 534 of the SBF2 protein (p.Val534Leu). The valine residue is moderately conserved and there is a small physicochemical difference between valine and leucine. This variant also falls at the last nucleotide of exon 14 of the SBF2 coding sequence, which is part of the consensus splice site for this exon.

Literature cited by the submitters: PubMed 17576681; PubMed 9536098.